The following is an entry in ClinVar:

NM_000137.4(FAH):c.1181G>A (p.Gly394Glu)

Gene: FAH (fumarylacetoacetate hydrolase; plus strand). Cytogenetic location: 15q25.1.
Variant type: single nucleotide variant.
Coding change: c.1181G>A on transcript NM_000137.4 (MANE Select); coding-DNA position 1181, G replaced by A.
Protein change: p.Gly394Glu; replaces glycine 394 with glutamic acid.
Molecular consequence: missense variant.
Genome position (GRCh38, 1-based): chr15:80,186,130, G>A. VCF-style: chr15-80186130-G-A. GRCh37 (hg19) VCF-style: chr15-80478472-G-A.
Other names: c.1181G>A, p.Gly394Glu (NM_001374377.1, NM_001374380.1); short protein forms G394E.
Identifiers: ClinVar variation 2047343 (VCV002047343.4), dbSNP rs370627856, ClinGen allele CA7691525.

ClinVar aggregate classification (germline): Uncertain significance (1 of 4 stars; one submission).

Conditions:
Tyrosinemia type I (TYRSN1). Also called: HEPATORENAL TYROSINEMIA; Tyrosinemia type 1; Fumarylacetoacetase deficiency; Deficiency of fumarylacetoacetase; FAH DEFICIENCY. Identifiers: Orphanet 882, MedGen C0268490, MONDO:0010161, OMIM 276700. Disease mechanism: loss of function.

Allele frequency attached by ClinVar (database versions not stated): ExAC 0.00001; gnomAD 0.00001; ESP Exome Variant Server 0.00008.

Submission:

Labcorp Genetics (formerly Invitae), Labcorp
Classification: Uncertain significance for Tyrosinemia type I. Last evaluated: 2022-01-21. Review status: criteria provided, single submitter. Criteria: Invitae Variant Classification Sherloc (09022015). Collection method: clinical testing. Allele origin: germline.
Comment: In summary, the available evidence is currently insufficient to determine the role of this variant in disease. Therefore, it has been classified as a Variant of Uncertain Significance. Algorithms developed to predict the effect of missense changes on protein structure and function (SIFT, PolyPhen-2, Align-GVGD) all suggest that this variant is likely to be disruptive. This variant has not been reported in the literature in individuals affected with FAH-related conditions. This variant is present in population databases (rs370627856, gnomAD 0.007%). This sequence change replaces glycine, which is neutral and non-polar, with glutamic acid, which is acidic and polar, at codon 394 of the FAH protein (p.Gly394Glu).